The following is an entry in ClinVar:

NM_020312.4(COQ9):c.430G>A (p.Glu144Lys)

Gene: COQ9 (coenzyme Q9; plus strand). Cytogenetic location: 16q21.
Variant type: single nucleotide variant.
Coding change: c.430G>A on transcript NM_020312.4 (MANE Select); coding-DNA position 430, G replaced by A.
Protein change: p.Glu144Lys; replaces glutamic acid 144 with lysine.
Molecular consequence: missense variant.
Genome position (GRCh38, 1-based): chr16:57,456,555, G>A. VCF-style: chr16-57456555-G-A. GRCh37 (hg19) VCF-style: chr16-57490467-G-A.
Other names: c.430G>A (NM_020312.3); short protein forms E144K.
Identifiers: ClinVar variation 1964406 (VCV001964406.7), dbSNP rs1271010437, ClinGen allele CA396028260.

ClinVar aggregate classification (germline): Uncertain significance. Review status: criteria provided, multiple submitters, no conflicts (2 of 4 stars). 2 submissions from 2 submitters: Uncertain significance (2). Last evaluated 2024-10-26.

Conditions:
Inborn genetic diseases. Identifiers: MedGen C0950123, MeSH D030342.

Allele frequency attached by ClinVar (database versions not stated): gnomAD exomes 0.00001.

Submissions (2):

Labcorp Genetics (formerly Invitae), Labcorp
Classification: Uncertain significance. Last evaluated: 2024-10-26. Review status: criteria provided, single submitter. Criteria: Invitae Variant Classification Sherloc (09022015). Collection method: clinical testing. Allele origin: germline.
Comment: This sequence change replaces glutamic acid, which is acidic and polar, with lysine, which is basic and polar, at codon 144 of the COQ9 protein (p.Glu144Lys). This variant is present in population databases (no rsID available, gnomAD 0.002%). This variant has not been reported in the literature in individuals affected with COQ9-related conditions. ClinVar contains an entry for this variant (Variation ID: 1964406). An algorithm developed to predict the effect of missense changes on protein structure and function (PolyPhen-2) suggests that this variant is likely to be disruptive. In summary, the available evidence is currently insufficient to determine the role of this variant in disease. Therefore, it has been classified as a Variant of Uncertain Significance.

Ambry Genetics
Classification: Uncertain significance for Inborn genetic diseases. Last evaluated: 2023-05-08. Review status: criteria provided, single submitter. Criteria: Ambry Variant Classification Scheme 2023. Collection method: clinical testing. Allele origin: germline.